The following is an entry in ClinVar:

ClinVar aggregate classification (germline): Benign (1 of 4 stars; one submission).

Submission:

CeGaT Center for Human Genetics Tuebingen
Classification: Benign. Last evaluated: 2023-02-01. Review status: criteria provided, single submitter. Criteria: CeGaT Center For Human Genetics Tuebingen Variant Classification Criteria Version 2. Collection method: clinical testing. Allele origin: germline. Affected: yes. Observed: 1 variant allele.
Comment: CDON: BS1, BS2

NM_001378964.1(CDON):c.*1311GTTT[2]

Gene: CDON (cell adhesion associated, oncogene regulated; minus strand). Cytogenetic location: 11q24.2.
Variant type: Microsatellite.
Coding change: c.*1311GTTT[2] on transcript NM_001378964.1 (MANE Select); two copies in a row of the 4-base unit GTTT starting at c.*1311; the reference has three copies in a row; one copy, 4 bases deleted.
Molecular consequence: 3 prime UTR variant.
Genome position (GRCh38, 1-based): chr11:125,959,620-125,959,623, AAAC deleted on the plus strand (GTTT on the coding strand, the reverse complement: CDON is on the minus strand); deleting any 4 consecutive bases within chr11:125,959,620-125,959,634 gives the same sequence; the position shown is the placement nearest the transcript's 3' end. VCF-style (leftmost placement, unchanged base first): chr11-125959619-AAAAC-A. GRCh37 (hg19) VCF-style: chr11-125829514-AAAAC-A.
Other names: c.*1308_*1311TTTG[2] (NM_001243597.3, NM_016952.6).
Identifiers: ClinVar variation 303465 (VCV000303465.29), dbSNP rs567351832, ClinGen allele CA10637802.